The following is an entry in ClinVar:

NM_000478.6(ALPL):c.717C>A (p.Asp239Glu)

Gene: ALPL (alkaline phosphatase, biomineralization associated; plus strand). Cytogenetic location: 1p36.12.
Variant type: single nucleotide variant.
Coding change: c.717C>A on transcript NM_000478.6 (MANE Select); coding-DNA position 717, C replaced by A.
Protein change: p.Asp239Glu; replaces aspartic acid 239 with glutamic acid.
Molecular consequence: missense variant.
Genome position (GRCh38, 1-based): chr1:21,568,172, C>A. VCF-style: chr1-21568172-C-A. GRCh37 (hg19) VCF-style: chr1-21894665-C-A.
Other names: p.Asp239Glu; c.717C>A, p.Asp239Glu (NM_001369805.2, NM_001369803.2, NM_001369804.2); c.552C>A, p.Asp184Glu (NM_001127501.4); c.486C>A, p.Asp162Glu (NM_001177520.3); short protein forms D162E, D184E, D239E.
Identifiers: ClinVar variation 3034573 (VCV003034573.4), dbSNP rs780024242, ClinGen allele CA338879232.

ClinVar aggregate classification (germline): Uncertain significance. Review status: criteria provided, single submitter (1 of 4 stars). 3 submissions from 3 submitters: Uncertain significance (1). 2 of the submissions do not count toward it. Last evaluated 2024-01-09.

Conditions:
Hypophosphatasia. Also called: Phosphoethanol-aminuria. Identifiers: Orphanet 436, MedGen C0020630, MeSH D007014, MONDO:0018570.
ALPL-related disorder. Also called: ALPL-related disorders; ALPL-related condition.

gnomAD v4.1: 1 of 1,613,976 alleles (0.000062%); highest among the groups gnomAD compares: Non-Finnish European, 0.000085%; no homozygotes.

Submissions (3):

Mayo Clinic Laboratories, Mayo Clinic
Classification: Uncertain significance. Last evaluated: 2024-01-09. Review status: criteria provided, single submitter. Criteria: ACMG Guidelines, 2015. Collection method: clinical testing. Allele origin: germline. Observed: 1 variant allele.
Comment: PM2

Natera, Inc.
Classification: Uncertain significance for Hypophosphatasia. Last evaluated: 2025-05-16. Review status: no assertion criteria provided. Collection method: clinical testing. Allele origin: germline. Not counted in ClinVar's aggregate classification.

PreventionGenetics, part of Exact Sciences
Classification: Uncertain significance for ALPL-related condition. Last evaluated: 2023-12-26. Review status: no assertion criteria provided. Collection method: clinical testing. Allele origin: germline. Not counted in ClinVar's aggregate classification.
Comment: The ALPL c.717C>A variant is predicted to result in the amino acid substitution p.Asp239Glu. To our knowledge, this variant has not been reported in the literature or in a large population database, indicating this variant is rare. At this time, the clinical significance of this variant is uncertain due to the absence of conclusive functional and genetic evidence.